The following continues an entry in ClinVar:

NM_000551.4(VHL):c.481C>T (p.Arg161Ter)

ClinVar aggregate classification (germline): Pathogenic. Pathogenic (9). ClinVar aggregate classification (somatic clinical impact): Tier I - Strong.

Submissions 9 to 14 of 14:

ARUP Laboratories, Molecular Genetics and Genomics, ARUP Laboratories
Classification: Pathogenic. Last evaluated: 2018-04-16. Review status: criteria provided, single submitter. Criteria: ARUP Molecular Germline Variant Investigation Process. Collection method: clinical testing. Allele origin: germline.
Comment: The VHL c.481C>T; p.Arg161Ter variant (rs5030818), also known as c.694C>T for traditional nomenclature, is reported multiple times in the literature in association with von Hippel-Lindau disease (see Cybulski 2002, Glavac 1996, Nordstrom-O'Brien 2010, Stolle 1998, Zbar 1996). This variant is reported as pathogenic by multiple laboratories in ClinVar (Variation ID: 2217), and it is absent from the general population databases (1000 Genomes Project, Exome Variant Server, and Genome Aggregation Database). This variant induces an early termination codon and is predicted to result in a truncated protein or mRNA subject to nonsense-medicated decay. Based on available information, this variant is considered to be pathogenic. REFERENCES Cybulski C et al. Germline mutations in the von Hippel-Lindau (VHL) gene in patients from Poland: disease presentation in patients with deletions of the entire VHL gene. J Med Genet. 2002 Jul;39(7):E38. Glavac D et al. Mutations in the VHL tumor suppressor gene and associated lesions in families with von Hippel-Lindau disease from central Europe. Hum Genet. 1996 Sep;98(3):271-80. Nordstrom-O'Brien M et al. Genetic analysis of von Hippel-Lindau disease. Hum Mutat. 2010 May;31(5):521-37. Stolle C et al. Improved detection of germline mutations in the von Hippel-Lindau disease tumor suppressor gene. Hum Mutat. 1998;12(6):417-23. Zbar B et al. Germline mutations in the Von Hippel-Lindau disease (VHL) gene in families from North America, Europe, and Japan. Hum Mutat. 1996;8(4):348-57.

Eurofins Ntd Llc (ga)
Classification: Pathogenic. Last evaluated: 2014-05-28. Review status: criteria provided, single submitter. Criteria: EGL Classification Definitions 2015. Collection method: clinical testing. Allele origin: germline. Observed: 3 variant alleles, 3 heterozygotes.

Neuromuscular Department, Shariati Hospital, Tehran University of Medical Sciences
Classification: Pathogenic for Familial infantile myasthenia. Last evaluated: 2017-12-27. Review status: no assertion criteria provided. Collection method: clinical testing. Allele origin: unknown. Inheritance: Autosomal recessive inheritance. Affected: yes. Observed: 1 variant allele, 1 homozygote. Not counted in ClinVar's aggregate classification.

Genomic Diagnostic Laboratory, Division of Genomic Diagnostics, Children's Hospital of Philadelphia
Classification: Pathogenic for Von Hippel-Lindau syndrome. Last evaluated: 2016-02-26. Review status: no assertion criteria provided. Collection method: clinical testing. Allele origin: germline. Affected: yes. Observed: 32 variant alleles. Not counted in ClinVar's aggregate classification.

Laboratory for Molecular Medicine, Mass General Brigham Personalized Medicine
Classification: Pathogenic for Von Hippel-Lindau syndrome. Last evaluated: 2007-10-16. Review status: no assertion criteria provided. Collection method: clinical testing. Allele origin: germline. Observed: 1 variant allele. Not counted in ClinVar's aggregate classification.

OMIM
Classification: Pathogenic for VON HIPPEL-LINDAU SYNDROME. Last evaluated: 1995-12-01. Review status: no assertion criteria provided. Collection method: literature only. Allele origin: unknown. Not counted in ClinVar's aggregate classification.

Literature cited by the submitters: PubMed 7987306 (cited by Labcorp Genetics (formerly Invitae), Labcorp); PubMed 8956040 (cited by 4 submitters); PubMed 9452032 (cited by Labcorp Genetics (formerly Invitae), Labcorp and Women's Health and Genetics/Laboratory Corporation of America, LabCorp); PubMed 9829911 (cited by Labcorp Genetics (formerly Invitae), Labcorp); PubMed 9829912 (cited by Labcorp Genetics (formerly Invitae), Labcorp); PubMed 10567493 (cited by Labcorp Genetics (formerly Invitae), Labcorp); PubMed 12114495 (cited by Labcorp Genetics (formerly Invitae), Labcorp and Women's Health and Genetics/Laboratory Corporation of America, LabCorp); PubMed 14722919 (cited by Labcorp Genetics (formerly Invitae), Labcorp and Women's Health and Genetics/Laboratory Corporation of America, LabCorp); PubMed 15300849 (cited by Labcorp Genetics (formerly Invitae), Labcorp and Women's Health and Genetics/Laboratory Corporation of America, LabCorp); PubMed 18446368 (cited by Labcorp Genetics (formerly Invitae), Labcorp); PubMed 19270817 (cited by Labcorp Genetics (formerly Invitae), Labcorp); PubMed 21362373 (cited by Labcorp Genetics (formerly Invitae), Labcorp); PubMed 24206762 (cited by Labcorp Genetics (formerly Invitae), Labcorp); PubMed 24301059 (cited by Labcorp Genetics (formerly Invitae), Labcorp); PubMed 25867206 (cited by Labcorp Genetics (formerly Invitae), Labcorp); PubMed 7728151 (cited by Labcorp Genetics (formerly Invitae), Labcorp); PubMed 12000816 (cited by Labcorp Genetics (formerly Invitae), Labcorp); PubMed 14767570 (cited by Labcorp Genetics (formerly Invitae), Labcorp); PubMed 20120764 (cited by Labcorp Genetics (formerly Invitae), Labcorp); PubMed 23842656 (cited by Labcorp Genetics (formerly Invitae), Labcorp); PubMed 24707167 (cited by Labcorp Genetics (formerly Invitae), Labcorp); PubMed 9458097 (cited by Institute for Genomic Medicine (IGM) Clinical Laboratory, Nationwide Children's Hospital); PubMed 24335534 (cited by Institute for Genomic Medicine (IGM) Clinical Laboratory, Nationwide Children's Hospital); PubMed 25589003 (cited by Institute for Genomic Medicine (IGM) Clinical Laboratory, Nationwide Children's Hospital); PubMed 28379443 (cited by Institute for Genomic Medicine (IGM) Clinical Laboratory, Nationwide Children's Hospital); PubMed 34185076 (cited by Institute for Genomic Medicine (IGM) Clinical Laboratory, Nationwide Children's Hospital); PubMed 8069849 (cited by Institute for Genomic Medicine (IGM) Clinical Laboratory, Nationwide Children's Hospital); PubMed 25720320 (cited by Ambry Genetics); PubMed 27527340 (cited by Ambry Genetics); PubMed 27617348 (cited by Ambry Genetics); PubMed 7987327 (cited by 3 submitters); PubMed 8730290 (cited by 3 submitters); PubMed 7784063 (cited by OMIM); PubMed 8522307 (cited by OMIM).